The following is an entry in ClinVar:

ClinVar aggregate classification (germline): Conflicting classifications of pathogenicity. Review status: criteria provided, conflicting classifications (1 of 4 stars). 5 submissions from 5 submitters: Uncertain significance (4); Likely benign (1). Last evaluated 2025-04-09.

Conditions:
Cardiomyopathy (CMYO). Also called: Cardiomyopathies. Identifiers: Orphanet 167848, MedGen C0878544, MONDO:0004994, HP:0001638. Inheritance: Various modes of inheritance.
Hypertrophic cardiomyopathy 9. Also called: Familial hypertrophic cardiomyopathy 9. Identifiers: MedGen C1861065, MONDO:0013412, OMIM 613765.
Autosomal recessive limb-girdle muscular dystrophy type 2J (LGMDR10). Also called: Limb-girdle muscular dystrophy, type 2J; MUSCULAR DYSTROPHY, LIMB-GIRDLE, AUTOSOMAL RECESSIVE 10. Identifiers: Orphanet 140922, MedGen C1837342, MONDO:0012127, OMIM 608807.
Dilated cardiomyopathy 1G (CMD1G). Identifiers: Orphanet 154, MedGen C1858763, MONDO:0011400, OMIM 604145.
Tibial muscular dystrophy (TMD). Also called: Tibial muscular dystrophy, tardive; Udd Distal Myopathy – Tibial Muscular Dystrophy; UDD MYOPATHY. Identifiers: Orphanet 609, MedGen C1838244, MONDO:0010870, OMIM 600334.
Myopathy, myofibrillar, 9, with early respiratory failure (MFM9). Also called: Hereditary myopathy with early respiratory failure; Myopathy, distal, with early respiratory failure, autosomal dominant; EDSTROM MYOPATHY; MYOPATHY, PROXIMAL, WITH EARLY RESPIRATORY MUSCLE INVOLVEMENT. Identifiers: Orphanet 178464, Orphanet 34521, MedGen C1863599, MONDO:0011362, OMIM 603689.
Early-onset myopathy with fatal cardiomyopathy (CMYO5). Also called: Salih Myopathy; CONGENITAL MYOPATHY 5 WITH CARDIOMYOPATHY. Identifiers: Orphanet 289377, MedGen C2673677, MONDO:0012714, OMIM 611705. Disease mechanism: loss of function.

Allele frequency attached by ClinVar (database versions not stated): gnomAD 0.00001; TOPMed 0.00001; gnomAD exomes 0.00003 and 0.00006; ExAC 0.00004.
gnomAD v4.1: 44 of 1,613,398 alleles (0.0027%); highest among the groups gnomAD compares: South Asian, 0.021%; no homozygotes.

Submissions (5):

Molecular Diagnostic Laboratory for Inherited Cardiovascular Disease, Montreal Heart Institute
Classification: Likely benign. Last evaluated: 2025-04-09. Review status: criteria provided, single submitter. Criteria: ACMG Guidelines, 2015. Collection method: clinical testing. Allele origin: germline. Affected: no.
Comment: BP1

Fulgent Genetics
Classification: Uncertain significance for Tibial muscular dystrophy; Myopathy, myofibrillar, 9, with early respiratory failure; Dilated cardiomyopathy 1G; Autosomal recessive limb-girdle muscular dystrophy type 2J; Early-onset myopathy with fatal cardiomyopathy; Hypertrophic cardiomyopathy 9. Last evaluated: 2024-06-07. Review status: criteria provided, single submitter. Criteria: ACMG Guidelines, 2015. Collection method: clinical testing. Allele origin: germline.

Revvity Omics, Revvity
Classification: Uncertain significance. Last evaluated: 2024-03-14. Review status: criteria provided, single submitter. Criteria: ACMG Guidelines, 2015. Collection method: clinical testing. Allele origin: germline.

ARUP Laboratories, Molecular Genetics and Genomics, ARUP Laboratories
Classification: Uncertain significance. Last evaluated: 2018-09-25. Review status: criteria provided, single submitter. Criteria: ARUP Molecular Germline Variant Investigation Process. Collection method: clinical testing. Allele origin: germline.
Comment: The TTN c.75035C>T; p.Thr25012Met variant (rs748535477) is rare in the general population (<1% allele frequency in the Genome Aggregation Database) and has not been reported in the medical literature in association with dilated cardiomyopathy (DCM) or other TTN-related disease. The clinical relevance of rare missense variants in this gene, which are identified on average once per individual sequenced in affected populations (Herman 2012), is not well understood. Yet, evidence suggests that the vast majority of such missense variants do not contribute to the clinical outcome of DCM (Begay 2015). Thus, the clinical significance of the p.Thr25012Met variant cannot be determined with certainty. References: Begay RL et al. Role of Titin Missense Variants in Dilated Cardiomyopathy. J Am Heart Assoc. 2015 Nov 13;4(11). Herman DS et al. Truncations of titin causing dilated cardiomyopathy. N Engl J Med. 2012 Feb 16;366(7):619-28.

CHEO Genetics Diagnostic Laboratory, Children's Hospital of Eastern Ontario
Classification: Uncertain significance for Cardiomyopathy. Last evaluated: 2017-10-30. Review status: criteria provided, single submitter. Criteria: ACMG Guidelines, 2015. Collection method: clinical testing. Allele origin: germline. Study: Canadian Open Genetics Repository.

NM_001267550.2(TTN):c.82739C>T (p.Thr27580Met)

Genes: TTN (titin; minus strand), TTN-AS1 (TTN antisense RNA 1; plus strand). Cytogenetic location: 2q31.2.
Variant type: single nucleotide variant.
Coding change: c.82739C>T on transcript NM_001267550.2 (MANE Select); coding-DNA position 82739, C replaced by T.
Protein change: p.Thr27580Met; replaces threonine 27580 with methionine.
Molecular consequence: missense variant.
Genome position (GRCh38, 1-based): chr2:178,563,393, G>A on the plus strand (C>T on the coding strand, the complement: TTN is on the minus strand). VCF-style: chr2-178563393-G-A. GRCh37 (hg19) VCF-style: chr2-179428120-G-A.
Other names: c.77816C>T, p.Thr25939Met (NM_001256850.1); c.55544C>T, p.Thr18515Met (NM_003319.4); c.75035C>T, p.Thr25012Met (NM_133378.4); c.55919C>T, p.Thr18640Met (NM_133432.3); c.56120C>T, p.Thr18707Met (NM_133437.4); short protein forms T25939M, T27580M, T18515M, T25012M, T18640M, T18707M.
Identifiers: ClinVar variation 626415 (VCV000626415.14), dbSNP rs748535477, ClinGen allele CA1989023.